The following is an entry in ClinVar:

ClinVar aggregate classification (germline): Uncertain significance (1 of 4 stars; one submission).

Conditions:
Benign neonatal seizures. Also called: Benign familial neonatal seizures; Benign neonatal familial convulsions; Benign familial neonatal epilepsy; Convulsions benign familial neonatal dominant form; Autosomal dominant form of benign neonatal seizures. Identifiers: Orphanet 1949, MedGen C0220669, MONDO:0016027.

Allele frequency attached by ClinVar (database versions not stated): TOPMed 0.00001.
gnomAD v4.1: 46 of 1,614,006 alleles (0.0029%); highest among the groups gnomAD compares: Non-Finnish European, 0.0036%; no homozygotes.

Submission:

Labcorp Genetics (formerly Invitae), Labcorp
Classification: Uncertain significance for Benign neonatal seizures. Last evaluated: 2025-05-22. Review status: criteria provided, single submitter. Criteria: Invitae Variant Classification Sherloc (09022015). Collection method: clinical testing. Allele origin: germline.
Comment: This sequence change replaces valine, which is neutral and non-polar, with phenylalanine, which is neutral and non-polar, at codon 286 of the KCNQ3 protein (p.Val286Phe). This variant is present in population databases (rs549372035, gnomAD 0.003%). This variant has not been reported in the literature in individuals affected with KCNQ3-related conditions. ClinVar contains an entry for this variant (Variation ID: 965065). Invitae Evidence Modeling of protein sequence and biophysical properties (such as structural, functional, and spatial information, amino acid conservation, physicochemical variation, residue mobility, and thermodynamic stability) has been performed for this missense variant. However, the output from this modeling did not meet the statistical confidence thresholds required to predict the impact of this variant on KCNQ3 protein function. In summary, the available evidence is currently insufficient to determine the role of this variant in disease. Therefore, it has been classified as a Variant of Uncertain Significance.

NM_004519.4(KCNQ3):c.856G>T (p.Val286Phe)

Gene: KCNQ3 (potassium voltage-gated channel subfamily Q member 3; minus strand). Cytogenetic location: 8q24.22.
Variant type: single nucleotide variant.
Coding change: c.856G>T on transcript NM_004519.4 (MANE Select); coding-DNA position 856, G replaced by T.
Protein change: p.Val286Phe; replaces valine 286 with phenylalanine.
Molecular consequence: missense variant.
Genome position (GRCh38, 1-based): chr8:132,175,530, C>A on the plus strand (G>T on the coding strand, the complement: KCNQ3 is on the minus strand). VCF-style: chr8-132175530-C-A. GRCh37 (hg19) VCF-style: chr8-133187777-C-A.
Other names: c.496G>T, p.Val166Phe (NM_001204824.2); short protein forms V166F, V286F.
Identifiers: ClinVar variation 965065 (VCV000965065.7), dbSNP rs549372035, ClinGen allele CA4880827.